The following is an entry in ClinVar:

NM_000944.5(PPP3CA):c.1205C>T (p.Ala402Val)

Gene: PPP3CA (protein phosphatase 3 catalytic subunit alpha; minus strand). Cytogenetic location: 4q24.
Variant type: single nucleotide variant.
Coding change: c.1205C>T on transcript NM_000944.5 (MANE Select); coding-DNA position 1205, C replaced by T.
Protein change: p.Ala402Val; replaces alanine 402 with valine.
Molecular consequence: missense variant.
Genome position (GRCh38, 1-based): chr4:101,040,518, G>A on the plus strand (C>T on the coding strand, the complement: PPP3CA is on the minus strand). VCF-style: chr4-101040518-G-A. GRCh37 (hg19) VCF-style: chr4-101961675-G-A.
Other names: c.1205C>T, p.Ala402Val (NM_001130691.2); c.1079C>T, p.Ala360Val (NM_001130692.2); short protein forms A402V, A360V.
Identifiers: ClinVar variation 2992176 (VCV002992176.3), dbSNP rs2476224468, ClinGen allele CA357948257.

ClinVar aggregate classification (germline): Uncertain significance (1 of 4 stars; one submission).

Submission:

Labcorp Genetics (formerly Invitae), Labcorp
Classification: Uncertain significance. Last evaluated: 2022-11-19. Review status: criteria provided, single submitter. Criteria: Invitae Variant Classification Sherloc (09022015). Collection method: clinical testing. Allele origin: germline.
Comment: In summary, the available evidence is currently insufficient to determine the role of this variant in disease. Therefore, it has been classified as a Variant of Uncertain Significance. Advanced modeling of protein sequence and biophysical properties (such as structural, functional, and spatial information, amino acid conservation, physicochemical variation, residue mobility, and thermodynamic stability) has been performed at Invitae for this missense variant, however the output from this modeling did not meet the statistical confidence thresholds required to predict the impact of this variant on PPP3CA protein function. This variant has not been reported in the literature in individuals affected with PPP3CA-related conditions. This variant is not present in population databases (gnomAD no frequency). This sequence change replaces alanine, which is neutral and non-polar, with valine, which is neutral and non-polar, at codon 402 of the PPP3CA protein (p.Ala402Val).